The following is an entry in ClinVar:

ClinVar aggregate classification (germline): Uncertain significance. Review status: criteria provided, multiple submitters, no conflicts (2 of 4 stars). 2 submissions from 2 submitters: Uncertain significance (2). Last evaluated 2025-12-18.

Conditions:
Primary ciliary dyskinesia. Also called: Ciliary dyskinesia. Identifiers: Orphanet 244, MedGen C0008780, MONDO:0016575, HP:0012265.
Primary ciliary dyskinesia 3. Identifiers: Orphanet 244, MedGen C1837618, MONDO:0012085, OMIM 608644.

Allele frequency attached by ClinVar (database versions not stated): gnomAD exomes 0.00002 and 0.00004; TOPMed 0.00002; ExAC 0.00003; gnomAD 0.00003.
gnomAD v4.1: 67 of 1,614,010 alleles (0.0042%); highest among the groups gnomAD compares: Middle Eastern, 0.033%; no homozygotes.

Submissions (2):

Labcorp Genetics (formerly Invitae), Labcorp
Classification: Uncertain significance for Primary ciliary dyskinesia. Last evaluated: 2025-12-18. Review status: criteria provided, single submitter. Criteria: Invitae Variant Classification Sherloc (09022015). Collection method: clinical testing. Allele origin: germline.
Comment: This sequence change replaces isoleucine, which is neutral and non-polar, with valine, which is neutral and non-polar, at codon 2663 of the DNAH5 protein (p.Ile2663Val). This variant is present in population databases (rs113576049, gnomAD 0.004%). This variant has not been reported in the literature in individuals affected with DNAH5-related conditions. ClinVar contains an entry for this variant (Variation ID: 905007). Invitae Evidence Modeling of protein sequence and biophysical properties (such as structural, functional, and spatial information, amino acid conservation, physicochemical variation, residue mobility, and thermodynamic stability) indicates that this missense variant is not expected to disrupt DNAH5 protein function with a negative predictive value of 95%. In summary, the available evidence is currently insufficient to determine the role of this variant in disease. Therefore, it has been classified as a Variant of Uncertain Significance.

Illumina Laboratory Services, Illumina
Classification: Uncertain significance for Primary ciliary dyskinesia 3. Last evaluated: 2018-01-13. Review status: criteria provided, single submitter. Criteria: ICSL Variant Classification Criteria 13 December 2019. Collection method: clinical testing. Allele origin: germline.

NM_001369.3(DNAH5):c.7987A>G (p.Ile2663Val)

Gene: DNAH5 (dynein axonemal heavy chain 5; minus strand). Cytogenetic location: 5p15.2.
Variant type: single nucleotide variant.
Coding change: c.7987A>G on transcript NM_001369.3 (MANE Select); coding-DNA position 7987, A replaced by G.
Protein change: p.Ile2663Val; replaces isoleucine 2663 with valine.
Molecular consequence: missense variant.
Genome position (GRCh38, 1-based): chr5:13,793,959, T>C on the plus strand (A>G on the coding strand, the complement: DNAH5 is on the minus strand). VCF-style: chr5-13793959-T-C. GRCh37 (hg19) VCF-style: chr5-13794068-T-C.
Other names: short protein forms I2663V.
Identifiers: ClinVar variation 905007 (VCV000905007.10), dbSNP rs113576049, ClinGen allele CA3202941.